The following is an entry in ClinVar:

ClinVar aggregate classification (germline): Pathogenic (1 of 4 stars; one submission).

Submission:

Labcorp Genetics (formerly Invitae), Labcorp
Classification: Pathogenic. Last evaluated: 2019-12-18. Review status: criteria provided, single submitter. Criteria: Invitae Variant Classification Sherloc (09022015). Collection method: clinical testing. Allele origin: germline.
Comment: For these reasons, this variant has been classified as Pathogenic. Loss-of-function variants in CREB3L3 are known to be pathogenic (PMID: 21666694, 26427795). This variant has not been reported in the literature in individuals with CREB3L3-related conditions. This variant is a gross deletion of the genomic region encompassing exons 1-5 of the CREB3L3 gene, which includes the initiator codon. The 5' end of this event is unknown as it extends beyond the assayed region for this gene and therefore may encompass additional genes. The 3' boundary is likely confined to intron 5 of the CREB3L3 gene. This is expected to result in an absent or disrupted protein product.

Literature cited by the submitters: PubMed 21666694; PubMed 26427795.

NC_000019.10:g.(?_4153748)_(4164640_?)del

Gene: CREB3L3 (cAMP responsive element binding protein 3 like 3; plus strand). Cytogenetic location: 19p13.3.
Variant type: Deletion.
Identifiers: ClinVar variation 830655 (VCV000830655.6).